The following is an entry in ClinVar:

NM_007294.4(BRCA1):c.5349G>T (p.Met1783Ile)

Gene: BRCA1 (BRCA1 DNA repair associated; minus strand). Cytogenetic location: 17q21.31.
Variant type: single nucleotide variant.
Coding change: c.5349G>T on transcript NM_007294.4 (MANE Select); coding-DNA position 5349, G replaced by T.
Protein change: p.Met1783Ile; replaces methionine 1783 with isoleucine.
Molecular consequence: missense variant. On other transcripts: non-coding transcript variant (1), intron variant (1).
Genome position (GRCh38, 1-based): chr17:43,049,178, C>A on the plus strand (G>T on the coding strand, the complement: BRCA1 is on the minus strand). VCF-style: chr17-43049178-C-A. GRCh37 (hg19) VCF-style: chr17-41201195-C-A.
Other names: c.5085G>T, p.Met1695Ile (NM_001407925.1, NM_001407926.1, NM_001407920.1 and 4 more transcripts); c.5082G>T, p.Met1694Ile (NM_001407927.1, NM_001407928.1, NM_001407929.1 and 4 more transcripts); c.5016G>T, p.Met1672Ile (NM_001407947.1, NM_001407948.1, NM_001407949.1 and 1 more transcripts); c.5013G>T, p.Met1671Ile (NM_001407950.1, NM_001407951.1, NM_001407952.1 and 3 more transcripts); c.4458G>T, p.Met1486Ile (NM_001407967.1); c.2745G>T, p.Met915Ile (NM_001407968.1); c.2742G>T, p.Met914Ile (NM_001407969.1); c.2106G>T, p.Met702Ile (NM_001407970.1, NM_001407971.1); and 73 more; short protein forms M1783I, M1804I, M679I, M1736I, M1486I, M1629I, M1693I, M1695I.
Identifiers: ClinVar variation 865646 (VCV000865646.3), dbSNP rs587782019, ClinGen allele CA10590764.
Genomic context (GRCh38, chr17:43,049,178, plus strand): 5'-TACTGTGCCAAGGGTGAATGATGAAAGCTCCTTCACCACAGAAGCACCACACAGCTGTAC[C>A]ATCCATTCCAGTTGATCTAAAATGGACATTTAGATGTAAAATCACTGCAGTAATCTGCAT-3'
Protein context (NP_009225.1, residues 1773-1793): TNMPTDQLEW[Met1783Ile]VQLCGASVVK

Conditions:
Breast-ovarian cancer, familial, susceptibility to, 1 (BROVCA1). Also called: BRCA1 Hereditary Breast and Ovarian Cancer; OVARIAN CANCER, SUSCEPTIBILITY TO. Identifiers: Orphanet 145, MedGen C2676676, MONDO:0011450, OMIM 604370. Disease mechanism: loss of function.

Submission:

Brotman Baty Institute, University of Washington
No classification provided (evidence only). Condition: Breast-ovarian cancer, familial 1. Review status: no classification provided. Collection method: in vitro. Allele origin: not applicable. Functional consequence: functionally_normal.
ClinVar note: "not provided" was previously submitted as the classification for the variant. However, the classification appeared to be based only on an observation of functional data so it was converted to no classification on 2025-07-30.